The following is an entry in ClinVar:

NM_001048174.2(MUTYH):c.1502T>A (p.Leu501Gln)

Gene: MUTYH (mutY DNA glycosylase; minus strand). Cytogenetic location: 1p34.1.
Variant type: single nucleotide variant.
Coding change: c.1502T>A on transcript NM_001048174.2 (MANE Select); coding-DNA position 1502, T replaced by A.
Protein change: p.Leu501Gln; replaces leucine 501 with glutamine.
Molecular consequence: missense variant. On other transcripts: non-coding transcript variant (7).
Genome position (GRCh38, 1-based): chr1:45,329,370, A>T on the plus strand (T>A on the coding strand, the complement: MUTYH is on the minus strand). VCF-style: chr1-45329370-A-T. GRCh37 (hg19) VCF-style: chr1-45795042-A-T.
Other names: c.1502T>A, p.Leu501Gln (NM_001048171.2, NM_001048173.2, NM_001293195.2 and 6 more transcripts); c.1505T>A, p.Leu502Gln (NM_001048172.2, NM_001407071.1, NM_001407086.1 and 1 more transcripts); c.1586T>A, p.Leu529Gln (NM_001128425.2); c.1547T>A, p.Leu516Gln (NM_001293190.2); c.1535T>A, p.Leu512Gln (NM_001293191.2, NM_001407069.1, NM_001407077.1); c.1226T>A, p.Leu409Gln (NM_001293192.2, NM_001293196.2, NM_001407091.1); c.1157T>A, p.Leu386Gln (NM_001350650.2, NM_001350651.2, NM_001407082.1); c.1544T>A, p.Leu515Gln (NM_001407085.1, NM_001407083.1); and 5 more; short protein forms L386Q, L473Q, L487Q, L502Q, L501Q, L508Q, L515Q, L526Q.
Identifiers: ClinVar variation 4113399 (VCV004113399.1).

ClinVar aggregate classification (germline): Uncertain significance (1 of 4 stars; one submission).

Conditions:
Hereditary cancer-predisposing syndrome. Also called: Tumor predisposition; Neoplastic Syndromes, Hereditary; Hereditary neoplastic syndrome; Hereditary Cancer Syndrome. Identifiers: Orphanet 140162, MedGen C0027672, MeSH D009386, MONDO:0015356.

Submission:

Ambry Genetics
Classification: Uncertain significance for Hereditary cancer-predisposing syndrome. Last evaluated: 2025-08-27. Review status: criteria provided, single submitter. Criteria: Ambry Variant Classification Scheme 2023. Collection method: clinical testing. Allele origin: germline.
Comment: The p.L529Q variant (also known as c.1586T>A), located in coding exon 16 of the MUTYH gene, results from a T to A substitution at nucleotide position 1586. The leucine at codon 529 is replaced by glutamine, an amino acid with dissimilar properties. This amino acid position is conserved. In addition, this alteration is predicted to be deleterious by in silico analysis. Based on the available evidence, the clinical significance of this variant remains unclear.